The following is an entry in ClinVar:

NM_001079.4(ZAP70):c.17C>T (p.Ala6Val)

Gene: ZAP70 (zeta chain of T cell receptor associated protein kinase 70; plus strand). Cytogenetic location: 2q11.2.
Variant type: single nucleotide variant.
Coding change: c.17C>T on transcript NM_001079.4 (MANE Select); coding-DNA position 17, C replaced by T.
Protein change: p.Ala6Val; replaces alanine 6 with valine.
Molecular consequence: missense variant.
Genome position (GRCh38, 1-based): chr2:97,724,053, C>T. VCF-style: chr2-97724053-C-T. GRCh37 (hg19) VCF-style: chr2-98340516-C-T.
Other names: c.17C>T, p.Ala6Val (NM_001378594.1); short protein forms A6V.
Identifiers: ClinVar variation 3014245 (VCV003014245.2), dbSNP rs765386540, ClinGen allele CA1790010.

ClinVar aggregate classification (germline): Uncertain significance (1 of 4 stars; one submission).

Conditions:
Combined immunodeficiency due to ZAP70 deficiency (IMD48). Also called: Immunodeficiency 48; ZAP70 Deficiency. Identifiers: Orphanet 911, MedGen C2931299, MONDO:0010023, OMIM 269840.

Allele frequency attached by ClinVar (database versions not stated): TOPMed 0.00006; ExAC 0.00006.
gnomAD v4.1: 17 of 1,553,972 alleles (0.0011%); highest among the groups gnomAD compares: East Asian, 0.017%; no homozygotes.

Submission:

Labcorp Genetics (formerly Invitae), Labcorp
Classification: Uncertain significance for Combined immunodeficiency due to ZAP70 deficiency. Last evaluated: 2023-04-04. Review status: criteria provided, single submitter. Criteria: Invitae Variant Classification Sherloc (09022015). Collection method: clinical testing. Allele origin: germline.
Comment: In summary, the available evidence is currently insufficient to determine the role of this variant in disease. Therefore, it has been classified as a Variant of Uncertain Significance. An algorithm developed to predict the effect of missense changes on protein structure and function (PolyPhen-2) suggests that this variant¬¨‚Ä† is likely to be tolerated. This variant has not been reported in the literature in individuals affected with ZAP70-related conditions. The frequency data for this variant in the population databases is considered unreliable, as metrics indicate poor data quality at this position in the gnomAD database. This sequence change replaces alanine, which is neutral and non-polar, with valine, which is neutral and non-polar, at codon 6 of the ZAP70 protein (p.Ala6Val).